The following is an entry in ClinVar:

NM_025137.4(SPG11):c.4813del (p.Leu1605fs)

Gene: SPG11 (SPG11 vesicle trafficking associated, spatacsin; minus strand). Cytogenetic location: 15q21.1.
Variant type: Deletion.
Coding change: c.4813del on transcript NM_025137.4 (MANE Select); coding-DNA position 4813, one base deleted (C; older notation c.4813delC).
Protein change: p.Leu1605fs; shifts the reading frame from leucine 1605.
Molecular consequence: frameshift variant.
Genome position (GRCh38, 1-based): chr15:44,589,345, G deleted on the plus strand (C on the coding strand, the reverse complement: SPG11 is on the minus strand); the first of 2 consecutive G bases (chr15:44,589,345-44,589,346); deleting either gives the same sequence. VCF-style (leftmost placement, unchanged base first): chr15-44589344-AG-A. GRCh37 (hg19) VCF-style: chr15-44881542-AG-A.
Other names: c.4813del, p.Leu1605fs (NM_001160227.2); short protein forms L1605fs.
Identifiers: ClinVar variation 837290 (VCV000837290.7), dbSNP rs2082844329, ClinGen allele CA916083420.
Genomic context (GRCh38, chr15:44,589,344, plus strand): 5'-AGCTGTAAAAGCTTCCCCAGCTCATACTGGGTCTTACACTGCTGTAGCATAAGCTTCAAA[AG>A]GAAACACACCTGATCCTCCAGCCACATGGCAGGGATGACAGGGTGGACCTTTGTGGCTGC-3'

ClinVar aggregate classification (germline): Pathogenic (1 of 4 stars; one submission).

Conditions:
Hereditary spastic paraplegia 11. Also called: Spastic paraplegia, mental retardation and thin corpus callosum; Nakamura Osame syndrome; Autosomal recessive hereditary spastic paraplegia, mental impairment, and thin corpus callosum; SPASTIC PARAPLEGIA, AUTOSOMAL RECESSIVE, COMPLICATED, WITH THIN CORPUS CALLOSUM; SPASTIC PARAPLEGIA, AUTOSOMAL RECESSIVE, WITH MENTAL IMPAIRMENT AND THIN CORPUS CALLOSUM; Spastic Paraplegia 11. Identifiers: Orphanet 2822, MedGen C1858479, MONDO:0011445, OMIM 604360.

Submission:

Labcorp Genetics (formerly Invitae), Labcorp
Classification: Pathogenic for Hereditary spastic paraplegia 11. Last evaluated: 2019-02-05. Review status: criteria provided, single submitter. Criteria: Invitae Variant Classification Sherloc (09022015). Collection method: clinical testing. Allele origin: germline.
Comment: For these reasons, this variant has been classified as Pathogenic. Loss-of-function variants in SPG11 are known to be pathogenic (PMID: 19105190, 20110243, 22154821, 26556829). This variant has not been reported in the literature in individuals with SPG11-related conditions. This variant is not present in population databases (ExAC no frequency). This sequence change creates a premature translational stop signal (p.Leu1605Phefs*2) in the SPG11 gene. It is expected to result in an absent or disrupted protein product.

Literature cited by the submitters: PubMed 19105190; PubMed 20110243; PubMed 22154821; PubMed 26556829.